The following is an entry in ClinVar:

ClinVar aggregate classification (germline): Likely benign. Review status: reviewed by expert panel (3 of 4 stars). 2 submissions from 2 submitters: Likely benign (1). 1 of the submissions does not count toward it. Last evaluated 2017-06-29.

Conditions:
Hereditary cancer-predisposing syndrome. Also called: Hereditary neoplastic syndrome; Hereditary Cancer Syndrome; Neoplastic Syndromes, Hereditary; Tumor predisposition. Identifiers: Orphanet 140162, MedGen C0027672, MeSH D009386, MONDO:0015356.
Breast-ovarian cancer, familial, susceptibility to, 2 (BROVCA2). Also called: BRCA2 Hereditary Breast and Ovarian Cancer. Identifiers: Orphanet 145, MedGen C2675520, MONDO:0012933, OMIM 612555. Disease mechanism: loss of function.

Allele frequency attached by ClinVar (database versions not stated): gnomAD exomes below 0.00001 and 0.00001; ExAC 0.00002.
gnomAD v4.1: 4 of 1,614,032 alleles (0.00025%); highest among the groups gnomAD compares: South Asian, 0.0044%; no homozygotes.

Submissions (2):

Evidence-based Network for the Interpretation of Germline Mutant Alleles (ENIGMA)
Classification: Likely benign for Breast-ovarian cancer, familial, susceptibility to, 2. Last evaluated: 2017-06-29. Review status: reviewed by expert panel. Criteria: ENIGMA BRCA1/2 Classification Criteria (2017-06-29). Collection method: curation. Allele origin: germline.
Comment: Synonymous substitution variant, with low bioinformatic likelihood to result in a splicing aberration (Splicing prior probability 0.02).

Ambry Genetics
Classification: Likely benign for Hereditary cancer-predisposing syndrome. Last evaluated: 2025-06-24. Review status: criteria provided, single submitter. Criteria: Ambry Variant Classification Scheme 2023. Collection method: clinical testing. Allele origin: germline. Not counted in ClinVar's aggregate classification.

NM_000059.4(BRCA2):c.9150G>A (p.Gln3050=)

Gene: BRCA2 (BRCA2 DNA repair associated; plus strand). Cytogenetic location: 13q13.1.
Variant type: single nucleotide variant.
Coding change: c.9150G>A on transcript NM_000059.4 (MANE Select); coding-DNA position 9150, G replaced by A.
Protein change: p.Gln3050=; no amino-acid change (glutamine 3050 retained).
Molecular consequence: synonymous variant.
Genome position (GRCh38, 1-based): chr13:32,380,039, G>A. VCF-style: chr13-32380039-G-A. GRCh37 (hg19) VCF-style: chr13-32954176-G-A.
Identifiers: ClinVar variation 427443 (VCV000427443.4), dbSNP rs756522027, ClinGen allele CA6941348.
Genomic context (GRCh38, chr13:32,380,039, plus strand): 5'-TGTTGAATTTTTGTTTTGTTTTCTGTAGGTTTCAGATGAAATTTTATTTCAGATTTACCA[G>A]CCACGGGAGCCCCTTCACTTCAGCAAATTTTTAGATCCAGACTTTCAGCCATCTTGTTCT-3'
Protein context (NP_000050.3, residues 3040-3060): VSDEILFQIY[Gln3050=]PREPLHFSKF